The following is an entry in ClinVar:

NM_001103.4(ACTN2):c.1422C>A (p.His474Gln)

Gene: ACTN2 (actinin alpha 2; plus strand). Cytogenetic location: 1q43.
Variant type: single nucleotide variant.
Coding change: c.1422C>A on transcript NM_001103.4 (MANE Select); coding-DNA position 1422, C replaced by A.
Protein change: p.His474Gln; replaces histidine 474 with glutamine.
Molecular consequence: missense variant. On other transcripts: non-coding transcript variant (1).
Genome position (GRCh38, 1-based): chr1:236,747,682, C>A. VCF-style: chr1-236747682-C-A. GRCh37 (hg19) VCF-style: chr1-236910982-C-A.
Other names: c.1422C>A, p.His474Gln (NM_001278343.2); short protein forms H474Q.
Identifiers: ClinVar variation 4221892 (VCV004221892.2).
Genomic context (GRCh38, chr1:236,747,682, plus strand): 5'-CATCATCTGGGAAAGTTAATCTTTATTTATTTTCACTTTTAATAGTGAACTGGACTATCA[C>A]GACGCTGTGAATGTCAATGATCGGTGCCAGAAAATTTGTGACCAGTGGGACCGACTGGGA-3'
Protein context (NP_001094.1, residues 464-484): IAQELNELDY[His474Gln]DAVNVNDRCQ

ClinVar aggregate classification (germline): Uncertain significance. Review status: criteria provided, multiple submitters, no conflicts (2 of 4 stars). 2 submissions from 2 submitters: Uncertain significance (2). Last evaluated 2025-12-29.

Conditions:
Cardiovascular phenotype. Identifiers: MedGen CN230736.
Dilated cardiomyopathy 1AA (CMD1AA). Also called: Cardiomyopathy, dilated, 1AA, with or without LVNC; CARDIOMYOPATHY, DILATED, 1AA, WITH OR WITHOUT LEFT VENTRICULAR NONCOMPACTION; CARDIOMYOPATHY, FAMILIAL HYPERTROPHIC, 23, WITH OR WITHOUT LEFT VENTRICULAR NONCOMPACTION. Identifiers: Orphanet 154, MedGen C2677338, MONDO:0012808, OMIM 612158.
Primary familial hypertrophic cardiomyopathy (HCM). Identifiers: Orphanet 99739, MedGen C0949658, MeSH D024741, MONDO:0024573. Inheritance: Various modes of inheritance.

Submissions (2):

Labcorp Genetics (formerly Invitae), Labcorp
Classification: Uncertain significance for Primary familial hypertrophic cardiomyopathy; Dilated cardiomyopathy 1AA. Last evaluated: 2025-12-29. Review status: criteria provided, single submitter. Criteria: Invitae Variant Classification Sherloc (09022015). Collection method: clinical testing. Allele origin: germline.
Comment: This sequence change replaces histidine, which is basic and polar, with glutamine, which is neutral and polar, at codon 474 of the ACTN2 protein (p.His474Gln). This variant is not present in population databases (gnomAD no frequency). This variant has not been reported in the literature in individuals affected with ACTN2-related conditions. ClinVar contains an entry for this variant (Variation ID: 4221892). Invitae Evidence Modeling of protein sequence and biophysical properties (such as structural, functional, and spatial information, amino acid conservation, physicochemical variation, residue mobility, and thermodynamic stability) indicates that this missense variant is not expected to disrupt ACTN2 protein function with a negative predictive value of 80%. In summary, the available evidence is currently insufficient to determine the role of this variant in disease. Therefore, it has been classified as a Variant of Uncertain Significance.

Ambry Genetics
Classification: Uncertain significance for Cardiovascular phenotype. Last evaluated: 2025-07-03. Review status: criteria provided, single submitter. Criteria: Ambry Variant Classification Scheme 2023. Collection method: clinical testing. Allele origin: germline.
Comment: The p.H474Q variant (also known as c.1422C>A), located in coding exon 13 of the ACTN2 gene, results from a C to A substitution at nucleotide position 1422. The histidine at codon 474 is replaced by glutamine, an amino acid with highly similar properties. This amino acid position is conserved. In addition, this alteration is predicted to be tolerated by in silico analysis. Based on the available evidence, the clinical significance of this variant remains unclear.